The following is an entry in ClinVar:

ClinVar aggregate classification (germline): Conflicting classifications of pathogenicity. Review status: criteria provided, conflicting classifications (1 of 4 stars). 8 submissions from 7 submitters: Uncertain significance (1); Benign (1); Likely benign (3). 3 of the submissions do not count toward it. Last evaluated 2026-01-06.

Conditions:
Atrioventricular septal defect 5 (AVSD5). Identifiers: MedGen C3280939, MONDO:0013769, OMIM 614474.
Atrial septal defect 9 (ASD9). Identifiers: Orphanet 1478, MedGen C3280943, MONDO:0013770, OMIM 614475.
Tetralogy of Fallot (TOF). Identifiers: Orphanet 3303, MedGen C0039685, MONDO:0008542, OMIM 187500, HP:0001636.
Conotruncal heart malformations (CTHM). Also called: Conotruncal heart malformations, variable. Identifiers: Orphanet 2445, Orphanet 3384, Orphanet 3426, MedGen C1857586, MONDO:0016581, OMIM 217095.
Heart defects, congenital, and other congenital anomalies. Also called: Pancreatic hypoplasia-diabetes-congenital heart disease syndrome; PANCREATIC HYPOPLASIA, CONGENITAL, WITH DIABETES MELLITUS AND CONGENITAL HEART DISEASE. Identifiers: Orphanet 2255, MedGen C2931296, MONDO:0010802, OMIM 600001.

Allele frequency attached by ClinVar (database versions not stated): gnomAD 0.00022 and 0.00014; gnomAD exomes 0.00084 and 0.00025; 1000 Genomes Project 0.00100; TOPMed 0.00024; 1000 Genomes Project 30x 0.00062; ExAC 0.00084.
gnomAD v4.1: 374 of 1,498,160 alleles (0.025%); highest among the groups gnomAD compares: East Asian, 0.67%; 3 homozygotes.

Submissions (8):

Labcorp Genetics (formerly Invitae), Labcorp
Classification: Likely benign for Atrioventricular septal defect 5. Last evaluated: 2026-01-06. Review status: criteria provided, single submitter. Criteria: Invitae Variant Classification Sherloc (09022015). Collection method: clinical testing. Allele origin: germline.

Blueprint Genetics
Classification: Likely benign. Last evaluated: 2024-08-26. Review status: criteria provided, single submitter. Criteria: ACMG Guidelines, 2015. Collection method: clinical testing. Allele origin: germline.

Fulgent Genetics
Classification: Uncertain significance for Tetralogy of Fallot; Conotruncal heart malformations; Heart defects, congenital, and other congenital anomalies; Atrioventricular septal defect 5; Atrial septal defect 9. Last evaluated: 2024-03-18. Review status: criteria provided, single submitter. Criteria: ACMG Guidelines, 2015. Collection method: clinical testing. Allele origin: germline.

GeneDx
Classification: Likely benign. Last evaluated: 2021-03-25. Review status: criteria provided, single submitter. Criteria: GeneDx Variant Classification Process June 2021. Collection method: clinical testing. Allele origin: germline. Affected: yes.
Comment: This variant is associated with the following publications: (PMID: 20631719, 24841381, 29101065, 31949757, 22498567, 34426522)

Mendelics
Classification: Benign for Atrioventricular septal defect 5. Last evaluated: 2019-05-28. Review status: criteria provided, single submitter. Criteria: Mendelics Assertion Criteria 2017. Collection method: clinical testing. Allele origin: unknown.

Reproductive Health Research and Development, BGI Genomics
Classification: Likely pathogenic for Atrial septal defect 9. Last evaluated: 2020-01-06. Review status: no assertion criteria provided. Collection method: curation. Allele origin: germline. Not counted in ClinVar's aggregate classification.
Comment: NM_005257.4:c.551G>A in the GATA6 gene has an allele frequency of 0.009 in East Asia subpopulation in the gnomAD database. Functional studies demonstrate that this variant clearly decreased transcriptional activity of GATA6 Ser184Asn in vitro (PMID: 20631719). In addition, Wang et al. identified c.551G>A in a patient with Tetralogy of Fallot. Taken together, we interprete this variant as Pathogenic/Likely pathogenic. ACMG/AMP criteria applied: PS3; PM2; PM6;

OMIM
Classification: Pathogenic for ATRIAL SEPTAL DEFECT 9. Last evaluated: 2010-10-01. Review status: no assertion criteria provided. Collection method: literature only. Allele origin: germline. Not counted in ClinVar's aggregate classification.

OMIM
Classification: Pathogenic for TETRALOGY OF FALLOT. Last evaluated: 2010-10-01. Review status: no assertion criteria provided. Collection method: literature only. Allele origin: germline. Not counted in ClinVar's aggregate classification.

Literature cited by the submitters: PubMed 20631719 (cited by OMIM).

NM_005257.6(GATA6):c.551G>A (p.Ser184Asn)

Gene: GATA6 (GATA binding protein 6; plus strand). Cytogenetic location: 18q11.2.
Variant type: single nucleotide variant.
Coding change: c.551G>A on transcript NM_005257.6 (MANE Select); coding-DNA position 551, G replaced by A.
Protein change: p.Ser184Asn; replaces serine 184 with asparagine.
Molecular consequence: missense variant.
Genome position (GRCh38, 1-based): chr18:22,171,695, G>A. VCF-style: chr18-22171695-G-A. GRCh37 (hg19) VCF-style: chr18-19751656-G-A.
Other names: short protein forms S184N.
Identifiers: ClinVar variation 30210 (VCV000030210.16), dbSNP rs387906816, ClinGen allele CA129026.